The following is an entry in ClinVar:

NM_001083962.2(TCF4):c.1169del (p.Arg389_Leu390insTer)

Gene: TCF4 (transcription factor 4; minus strand). Cytogenetic location: 18q21.2.
Variant type: Deletion.
Coding change: c.1169del on transcript NM_001083962.2 (MANE Select); coding-DNA position 1169, one base deleted (T; older notation c.1169delT).
Protein change: p.Arg389_Leu390insTer.
Molecular consequence: nonsense.
Genome position (GRCh38, 1-based): chr18:55,254,678, A deleted on the plus strand (T on the coding strand, the reverse complement: TCF4 is on the minus strand); the first of 3 consecutive A bases (chr18:55,254,678-55,254,680); deleting any one gives the same sequence. VCF-style (leftmost placement, unchanged base first): chr18-55254677-TA-T. GRCh37 (hg19) VCF-style: chr18-52921908-TA-T.
Other names: c.1094del, p.Arg364_Leu365insTer (NM_001369585.1, NM_001348220.1, NM_001369576.1 and 6 more transcripts); c.1100del, p.Arg366_Leu367insTer (NM_001369586.1); c.1169del, p.Arg389_Leu390insTer (NM_003199.3, NM_001369567.1, NM_001369568.1 and 2 more transcripts); c.1475del, p.Arg491_Leu492insTer (NM_001243226.3); c.1097del, p.Arg365_Leu366insTer (NM_001243227.2, NM_001306207.1, NM_001348217.1 and 5 more transcripts); c.1187del, p.Arg395_Leu396insTer (NM_001243228.2); c.1160del, p.Arg386_Leu387insTer (NM_001243230.2); c.1043del, p.Arg347_Leu348insTer (NM_001243231.2, NM_001348211.2); and 7 more.
Identifiers: ClinVar variation 547794 (VCV000547794.8), dbSNP rs1555764839, ClinGen allele CA658825115.

ClinVar aggregate classification (germline): Pathogenic/Likely pathogenic. Review status: criteria provided, multiple submitters, no conflicts (2 of 4 stars). 2 submissions from 2 submitters: Pathogenic (1); Likely pathogenic (1). Last evaluated 2019-09-11.

Conditions:
Pitt-Hopkins syndrome (PTHS). Also called: ENCEPHALOPATHY, SEVERE EPILEPTIC, WITH AUTONOMIC DYSFUNCTION; MENTAL RETARDATION, SYNDROMAL, WITH INTERMITTENT HYPERVENTILATION. Identifiers: Orphanet 2896, MedGen C1970431, MONDO:0012589, OMIM 610954.

Submissions (2):

Labcorp Genetics (formerly Invitae), Labcorp
Classification: Pathogenic for Pitt-Hopkins syndrome. Last evaluated: 2019-09-11. Review status: criteria provided, single submitter. Criteria: Invitae Variant Classification Sherloc (09022015). Collection method: clinical testing. Allele origin: germline.
Comment: This variant has not been reported in the literature in individuals with TCF4-related conditions. ClinVar contains an entry for this variant (Variation ID: 547794). Loss-of-function variants in TCF4 are known to be pathogenic (PMID: 18728071, 22045651). For these reasons, this variant has been classified as Pathogenic. This variant is not present in population databases (ExAC no frequency). This sequence change creates a premature translational stop signal (p.Leu390*) in the TCF4 gene. It is expected to result in an absent or disrupted protein product.

Center for Human Genetics, Inc
Classification: Likely pathogenic for Pitt-Hopkins syndrome. Last evaluated: 2016-11-01. Review status: criteria provided, single submitter. Criteria: ACMG Guidelines, 2015. Collection method: clinical testing. Allele origin: germline. Affected: yes.

Literature cited by the submitters: PubMed 18728071 (cited by Labcorp Genetics (formerly Invitae), Labcorp); PubMed 22045651 (cited by Labcorp Genetics (formerly Invitae), Labcorp).